The following is an entry in ClinVar:

ClinVar aggregate classification (germline): Uncertain significance (1 of 4 stars; one submission).

Submission:

Labcorp Genetics (formerly Invitae), Labcorp
Classification: Uncertain significance. Last evaluated: 2023-05-15. Review status: criteria provided, single submitter. Criteria: Invitae Variant Classification Sherloc (09022015). Collection method: clinical testing. Allele origin: germline.
Comment: In summary, the available evidence is currently insufficient to determine the role of this variant in disease. Therefore, it has been classified as a Variant of Uncertain Significance. Algorithms developed to predict the effect of sequence changes on RNA splicing suggest that this variant may disrupt the consensus splice site. This variant has not been reported in the literature in individuals affected with CLCN6-related conditions. This variant is not present in population databases (gnomAD no frequency). This sequence change affects a donor splice site in intron 10 of the CLCN6 gene. It is expected to disrupt RNA splicing. Variants that disrupt the donor or acceptor splice site typically lead to a loss of protein function (PMID: 16199547), however the current clinical and genetic evidence is not sufficient to establish whether loss-of-function variants in CLCN6 cause disease.

Literature cited by the submitters: PubMed 16199547.

NM_001286.5(CLCN6):c.840+2T>C

Gene: CLCN6 (chloride voltage-gated channel 6; plus strand). Cytogenetic location: 1p36.22.
Variant type: single nucleotide variant.
Coding change: c.840+2T>C on transcript NM_001286.5 (MANE Select); the canonical splice donor site of the intron after coding-DNA position 840, T replaced by C.
Molecular consequence: splice donor variant.
Genome position (GRCh38, 1-based): chr1:11,827,223, T>C. VCF-style: chr1-11827223-T-C. GRCh37 (hg19) VCF-style: chr1-11887280-T-C.
Other names: c.774+2T>C (NM_001256959.2).
Identifiers: ClinVar variation 2864431 (VCV002864431.3), dbSNP rs777483914, ClinGen allele CA338429382.
Genomic context (GRCh38, chr1:11,827,223, plus strand): 5'-CCTTGTTCAGTCTAGAGGAGGGTTCGTCCTTCTGGAACCAAGGGCTCACGTGGAAAGTGG[T>C]GAGGAGGACCTTCAGTGAAAGCATTAACCACACCCCCCGAATTACACTGGGTGTCCCTTA-3'